The following is an entry in ClinVar:

NM_002354.3(EPCAM):c.466C>G (p.Pro156Ala)

Gene: EPCAM (epithelial cell adhesion molecule; plus strand). Cytogenetic location: 2p21.
Variant type: single nucleotide variant.
Coding change: c.466C>G on transcript NM_002354.3 (MANE Select); coding-DNA position 466, C replaced by G.
Protein change: p.Pro156Ala; replaces proline 156 with alanine.
Molecular consequence: missense variant.
Genome position (GRCh38, 1-based): chr2:47,375,274, C>G. VCF-style: chr2-47375274-C-G. GRCh37 (hg19) VCF-style: chr2-47602413-C-G.
Other names: short protein forms P156A.
Identifiers: ClinVar variation 4870515 (VCV004870515.1).

ClinVar aggregate classification (germline): Uncertain significance (1 of 4 stars; one submission).

Conditions:
Hereditary cancer-predisposing syndrome. Also called: Neoplastic Syndromes, Hereditary; Tumor predisposition; Hereditary Cancer Syndrome; Hereditary neoplastic syndrome. Identifiers: Orphanet 140162, MedGen C0027672, MeSH D009386, MONDO:0015356.

Submission:

Ambry Genetics
Classification: Uncertain significance for Hereditary cancer-predisposing syndrome. Last evaluated: 2026-03-19. Review status: criteria provided, single submitter. Criteria: Ambry Variant Classification Scheme 2023. Collection method: clinical testing. Allele origin: germline.
Comment: The p.P156A variant (also known as c.466C>G), located in coding exon 4 of the EPCAM gene, results from a C to G substitution at nucleotide position 466. The proline at codon 156 is replaced by alanine, an amino acid with highly similar properties. This amino acid position is conserved. In addition, the in silico prediction for this alteration is inconclusive. Based on the available evidence, the clinical significance of this variant remains unclear.